The following is an entry in ClinVar:

ClinVar aggregate classification (germline): Uncertain significance (1 of 4 stars; one submission).

Conditions:
Immunodeficiency 39 (IMD39). Identifiers: Orphanet 574918, MedGen C4225358, MONDO:0014597, OMIM 616345.

Submission:

Labcorp Genetics (formerly Invitae), Labcorp
Classification: Uncertain significance for Immunodeficiency 39. Last evaluated: 2022-09-16. Review status: criteria provided, single submitter. Criteria: Invitae Variant Classification Sherloc (09022015). Collection method: clinical testing. Allele origin: germline.
Comment: This sequence change replaces serine, which is neutral and polar, with cysteine, which is neutral and slightly polar, at codon 485 of the IRF7 protein (p.Ser485Cys). This variant is not present in population databases (gnomAD no frequency). This variant has not been reported in the literature in individuals affected with IRF7-related conditions. Advanced modeling of protein sequence and biophysical properties (such as structural, functional, and spatial information, amino acid conservation, physicochemical variation, residue mobility, and thermodynamic stability) performed at Invitae indicates that this missense variant is expected to disrupt IRF7 protein function. In summary, the available evidence is currently insufficient to determine the role of this variant in disease. Therefore, it has been classified as a Variant of Uncertain Significance.

NM_001572.5(IRF7):c.1415C>G (p.Ser472Cys)

Gene: IRF7 (interferon regulatory factor 7; minus strand). Cytogenetic location: 11p15.5.
Variant type: single nucleotide variant.
Coding change: c.1415C>G on transcript NM_001572.5 (MANE Select); coding-DNA position 1415, C replaced by G.
Protein change: p.Ser472Cys; replaces serine 472 with cysteine.
Molecular consequence: missense variant.
Genome position (GRCh38, 1-based): chr11:612,742, G>C on the plus strand (C>G on the coding strand, the complement: IRF7 is on the minus strand). VCF-style: chr11-612742-G-C. GRCh37 (hg19) VCF-style: chr11-612742-G-C.
Other names: c.1328C>G, p.Ser443Cys (NM_004029.4); c.1454C>G, p.Ser485Cys (NM_004031.4); short protein forms S443C, S472C, S485C.
Identifiers: ClinVar variation 1719579 (VCV001719579.5), dbSNP rs2493882274, ClinGen allele CA378975858.